The following is an entry in ClinVar:

ClinVar aggregate classification (germline): Uncertain significance. Review status: criteria provided, multiple submitters, no conflicts (2 of 4 stars). 3 submissions from 3 submitters: Uncertain significance (2). 1 of the submissions does not count toward it. Last evaluated 2025-04-03.

Conditions:
Retinitis pigmentosa 28 (RP28). Identifiers: Orphanet 791, MedGen C1419614, MONDO:0011630, OMIM 606068.
Inborn genetic diseases. Identifiers: MedGen C0950123, MeSH D030342.

Allele frequency attached by ClinVar (database versions not stated): TOPMed 0.00005.

Submissions (3):

Ambry Genetics
Classification: Uncertain significance for Inborn genetic diseases. Last evaluated: 2025-04-03. Review status: criteria provided, single submitter. Criteria: Ambry Variant Classification Scheme 2023. Collection method: clinical testing. Allele origin: germline.

Labcorp Genetics (formerly Invitae), Labcorp
Classification: Uncertain significance. Last evaluated: 2022-03-10. Review status: criteria provided, single submitter. Criteria: Invitae Variant Classification Sherloc (09022015). Collection method: clinical testing. Allele origin: germline.
Comment: This sequence change replaces proline, which is neutral and non-polar, with threonine, which is neutral and polar, at codon 241 of the FAM161A protein (p.Pro241Thr). This variant is present in population databases (rs531709417, gnomAD 0.05%). This variant has not been reported in the literature in individuals affected with FAM161A-related conditions. ClinVar contains an entry for this variant (Variation ID: 939287). Algorithms developed to predict the effect of missense changes on protein structure and function (SIFT, PolyPhen-2, Align-GVGD) all suggest that this variant is likely to be disruptive. In summary, the available evidence is currently insufficient to determine the role of this variant in disease. Therefore, it has been classified as a Variant of Uncertain Significance.

Natera, Inc.
Classification: Uncertain significance for Retinitis pigmentosa type 28. Last evaluated: 2021-08-02. Review status: no assertion criteria provided. Collection method: clinical testing. Allele origin: germline. Not counted in ClinVar's aggregate classification.

NM_001201543.2(FAM161A):c.721C>A (p.Pro241Thr)

Gene: FAM161A (FAM161 centrosomal protein A; minus strand). Cytogenetic location: 2p15.
Variant type: single nucleotide variant.
Coding change: c.721C>A on transcript NM_001201543.2 (MANE Select); coding-DNA position 721, C replaced by A.
Protein change: p.Pro241Thr; replaces proline 241 with threonine.
Molecular consequence: missense variant. On other transcripts: non-coding transcript variant (1).
Genome position (GRCh38, 1-based): chr2:61,840,283, G>T on the plus strand (C>A on the coding strand, the complement: FAM161A is on the minus strand). VCF-style: chr2-61840283-G-T. GRCh37 (hg19) VCF-style: chr2-62067418-G-T.
Other names: c.721C>A, p.Pro241Thr (NM_032180.3); short protein forms P241T.
Identifiers: ClinVar variation 939287 (VCV000939287.7), dbSNP rs531709417, ClinGen allele CA1679295.
Genomic context (GRCh38, chr2:61,840,283, plus strand): 5'-CTGATTTAGATTTCATGGACTCTTCTTTTTTCTTCTGTTCTCTTATCATCATTTGAAAAG[G>T]CTCCGGTACTGTAATTGTGGGCACCCATTCTTTTCGTTTCTTCCTTCTTTTTTCAGCTGC-3'
Protein context (NP_001188472.1, residues 231-251): EWVPTITVPE[Pro241Thr]FQMMIREQKK